The following is an entry in ClinVar:

ClinVar aggregate classification (germline): Uncertain significance (1 of 4 stars; one submission).

Submission:

Labcorp Genetics (formerly Invitae), Labcorp
Classification: Uncertain significance. Last evaluated: 2024-06-09. Review status: criteria provided, single submitter. Criteria: Invitae Variant Classification Sherloc (09022015). Collection method: clinical testing. Allele origin: germline.
Comment: This sequence change replaces asparagine, which is neutral and polar, with serine, which is neutral and polar, at codon 206 of the APOPT1 protein (p.Asn206Ser). This variant is not present in population databases (gnomAD no frequency). This variant has not been reported in the literature in individuals affected with APOPT1-related conditions. An algorithm developed to predict the effect of missense changes on protein structure and function (PolyPhen-2) suggests that this variant is likely to be tolerated. In summary, the available evidence is currently insufficient to determine the role of this variant in disease. Therefore, it has been classified as a Variant of Uncertain Significance.

NM_001370595.2(COA8):c.578A>G (p.Asn193Ser)

Gene: COA8 (cytochrome c oxidase assembly factor 8; plus strand). Cytogenetic location: 14q32.33.
Variant type: single nucleotide variant.
Coding change: c.578A>G on transcript NM_001370595.2 (MANE Select); coding-DNA position 578, A replaced by G.
Protein change: p.Asn193Ser; replaces asparagine 193 with serine.
Molecular consequence: missense variant. On other transcripts: 3 prime UTR variant (1), non-coding transcript variant (2).
Genome position (GRCh38, 1-based): chr14:103,590,282, A>G. VCF-style: chr14-103590282-A-G. GRCh37 (hg19) VCF-style: chr14-104056619-A-G.
Other names: c.*132A>G (NM_001302653.2); short protein forms N193S.
Identifiers: ClinVar variation 3656016 (VCV003656016.2).